The following is an entry in ClinVar:

NM_001042492.3(NF1):c.6185G>C (p.Cys2062Ser)

Gene: NF1 (neurofibromin 1; plus strand). Cytogenetic location: 17q11.2.
Variant type: single nucleotide variant.
Coding change: c.6185G>C on transcript NM_001042492.3 (MANE Select); coding-DNA position 6185, G replaced by C.
Protein change: p.Cys2062Ser; replaces cysteine 2062 with serine.
Molecular consequence: missense variant.
Genome position (GRCh38, 1-based): chr17:31,336,672, G>C. VCF-style: chr17-31336672-G-C. GRCh37 (hg19) VCF-style: chr17-29663690-G-C.
Other names: c.6122G>C, p.Cys2041Ser (NM_000267.4); short protein forms C2062S, C2041S.
Identifiers: ClinVar variation 481994 (VCV000481994.13), dbSNP rs1555534668, ClinGen allele CA399011805.
Genomic context (GRCh38, chr17:31,336,672, plus strand): 5'-AAAAAAATCCTGCTTCTTTACAGGTTATTGGAAGGATGTGCAAAATAATTGACAAGACAT[G>C]CTTATCTCCAACTCCTACTTTAGAACAACATCTTATGTGGGATGATATTGCTATTTTAGC-3'
Protein context (NP_001035957.1, residues 2052-2072): GRMCKIIDKT[Cys2062Ser]LSPTPTLEQH

ClinVar aggregate classification (germline): Uncertain significance. Review status: criteria provided, multiple submitters, no conflicts (2 of 4 stars). 3 submissions from 3 submitters: Uncertain significance (3). Last evaluated 2022-03-26.

Conditions:
Cardiovascular phenotype. Identifiers: MedGen CN230736.
Hereditary cancer-predisposing syndrome. Also called: Hereditary neoplastic syndrome; Neoplastic Syndromes, Hereditary; Tumor predisposition; Hereditary Cancer Syndrome. Identifiers: Orphanet 140162, MedGen C0027672, MeSH D009386, MONDO:0015356.
Neurofibromatosis, type 1 (NF1). Also called: VON RECKLINGHAUSEN DISEASE; Peripheral type neurofibromatosis; NEUROFIBROMATOSIS, TYPE I, SOMATIC; Neurofibromatosis, type I. Identifiers: Orphanet 636, MedGen C0027831, MONDO:0018975, OMIM 162200. Disease mechanism: loss of function.

Submissions (3):

Ambry Genetics
Classification: Uncertain significance for Cardiovascular phenotype; Hereditary cancer-predisposing syndrome. Last evaluated: 2022-03-26. Review status: criteria provided, single submitter. Criteria: Ambry Variant Classification Scheme 2023. Collection method: clinical testing. Allele origin: germline.
Comment: The p.C2041S variant (also known as c.6122G>C), located in coding exon 41 of the NF1 gene, results from a G to C substitution at nucleotide position 6122. The cysteine at codon 2041 is replaced by serine, an amino acid with dissimilar properties. This amino acid position is highly conserved in available vertebrate species. In addition, the in silico prediction for this alteration is inconclusive. Since supporting evidence is limited at this time, the clinical significance of this alteration remains unclear.

Genome-Nilou Lab
Classification: Uncertain significance for Neurofibromatosis, type 1. Last evaluated: 2022-03-15. Review status: criteria provided, single submitter. Criteria: ACMG Guidelines, 2015. Collection method: clinical testing. Allele origin: germline. Affected: no.

Labcorp Genetics (formerly Invitae), Labcorp
Classification: Uncertain significance for Neurofibromatosis, type 1. Last evaluated: 2021-01-07. Review status: criteria provided, single submitter. Criteria: Invitae Variant Classification Sherloc (09022015). Collection method: clinical testing. Allele origin: germline.
Comment: This sequence change replaces cysteine with serine at codon 2041 of the NF1 protein (p.Cys2041Ser). The cysteine residue is moderately conserved and there is a moderate physicochemical difference between cysteine and serine. This variant is not present in population databases (ExAC no frequency). This variant has not been reported in the literature in individuals with NF1-related conditions. ClinVar contains an entry for this variant (Variation ID: 481994). Advanced modeling of protein sequence and biophysical properties (such as structural, functional, and spatial information, amino acid conservation, physicochemical variation, residue mobility, and thermodynamic stability) performed at Invitae indicates that this missense variant is not expected to disrupt NF1 protein function. In summary, the available evidence is currently insufficient to determine the role of this variant in disease. Therefore, it has been classified as a Variant of Uncertain Significance.